The following is an entry in ClinVar:

NM_033380.3(COL4A5):c.3017G>T (p.Gly1006Val)

Gene: COL4A5 (collagen type IV alpha 5 chain; plus strand). Cytogenetic location: Xq22.3.
Variant type: single nucleotide variant.
Coding change: c.3017G>T on transcript NM_033380.3 (MANE Select); coding-DNA position 3017, G replaced by T.
Protein change: p.Gly1006Val; replaces glycine 1006 with valine.
Molecular consequence: missense variant.
Genome position (GRCh38, 1-based): chrX:108,625,705, G>T. VCF-style: chrX-108625705-G-T. GRCh37 (hg19) VCF-style: chrX-107868935-G-T.
Other names: c.3017G>T, p.Gly1006Val (NM_000495.5); short protein forms G1006V.
Identifiers: ClinVar variation 2138704 (VCV002138704.4), dbSNP rs104886202, ClinGen allele CA258792.

ClinVar aggregate classification (germline): Pathogenic (1 of 4 stars; one submission).

Submission:

Labcorp Genetics (formerly Invitae), Labcorp
Classification: Pathogenic. Last evaluated: 2022-08-07. Review status: criteria provided, single submitter. Criteria: Invitae Variant Classification Sherloc (09022015). Collection method: clinical testing. Allele origin: germline.
Comment: This variant disrupts the triple helix domain of COL4A5. Glycine residues within the Gly-Xaa-Yaa repeats of the triple helix domain are required for the structure and stability of fibrillar collagens (PMID: 7695699, 8218237, 19344236). In COL4A5, missense variants at these glycine residues are significantly enriched in individuals with disease (PMID: 23720012, 27627812) compared to the general population (ExAC). For these reasons, this variant has been classified as Pathogenic. RNA analysis performed to evaluate the impact of this missense change on mRNA splicing indicates it does not significantly alter splicing (PMID: 11223851). Algorithms developed to predict the effect of missense changes on protein structure and function are either unavailable or do not agree on the potential impact of this missense change (SIFT: "Tolerated"; PolyPhen-2: "Not Available"; Align-GVGD: "Class C0"). This missense change has been observed in individuals with clinical features of COL4A5-related conditions (PMID: 11223851, 30647093; Invitae). This variant is not present in population databases (gnomAD no frequency). This sequence change replaces glycine, which is neutral and non-polar, with valine, which is neutral and non-polar, at codon 1006 of the COL4A5 protein (p.Gly1006Val).

Literature cited by the submitters: PubMed 7695699; PubMed 8218237; PubMed 19344236; PubMed 23720012; PubMed 27627812; PubMed 11223851; PubMed 30647093.